The following is an entry in ClinVar:

NM_000466.3(PEX1):c.2442C>T (p.Phe814=)

Gene: PEX1 (peroxisomal biogenesis factor 1; minus strand). Cytogenetic location: 7q21.2.
Variant type: single nucleotide variant.
Coding change: c.2442C>T on transcript NM_000466.3 (MANE Select); coding-DNA position 2442, C replaced by T.
Protein change: p.Phe814=; no amino-acid change (phenylalanine 814 retained).
Molecular consequence: synonymous variant.
Genome position (GRCh38, 1-based): chr7:92,501,648, G>A on the plus strand (C>T on the coding strand, the complement: PEX1 is on the minus strand). VCF-style: chr7-92501648-G-A. GRCh37 (hg19) VCF-style: chr7-92130962-G-A.
Other names: p.Phe814=; c.2271C>T, p.Phe757= (NM_001282677.2); c.1818C>T, p.Phe606= (NM_001282678.2).
Identifiers: ClinVar variation 93106 (VCV000093106.67), dbSNP rs145430946, ClinGen allele CA146658.

ClinVar aggregate classification (germline): Conflicting classifications of pathogenicity. Review status: criteria provided, conflicting classifications (1 of 4 stars). 10 submissions from 10 submitters: Uncertain significance (1); Benign (2); Likely benign (4). 3 of the submissions do not count toward it. Last evaluated 2026-07-01.

Conditions:
Zellweger spectrum disorders (ZS). Also called: Zellweger Spectrum Disorder; Zellweger Spectrum; Zellweger syndrome; Zellweger Spectrum Disorder (ZSD). Identifiers: Orphanet 912, MedGen C0043459, MONDO:0019609.
Peroxisome biogenesis disorder 1A (Zellweger) (PBD1A). Also called: Zellweger leukodystrophy; Peroxisome biogenesis disorder 1a. Identifiers: MedGen C4721541, MONDO:0008953, OMIM 214100.

Allele frequency attached by ClinVar (database versions not stated): 1000 Genomes Project 0.00080; 1000 Genomes Project 30x 0.00094; gnomAD 0.00216 and 0.00229; gnomAD exomes 0.00236; ExAC 0.00237; TOPMed 0.00252; ESP Exome Variant Server 0.00277.
gnomAD v4.1: 4,566 of 1,613,742 alleles (0.28%); highest among the groups gnomAD compares: Middle Eastern, 2.5%; 16 homozygotes.

Submissions (10):

CeGaT Center for Human Genetics Tuebingen
Classification: Likely benign. Last evaluated: 2026-07-01. Review status: criteria provided, single submitter. Criteria: CeGaT Center For Human Genetics Tuebingen Variant Classification Criteria Version 2. Collection method: clinical testing. Allele origin: germline. Affected: yes. Observed: 27 variant alleles.
Comment: PEX1: BP4, BP7

Labcorp Genetics (formerly Invitae), Labcorp
Classification: Benign for Zellweger spectrum disorders. Last evaluated: 2026-02-01. Review status: criteria provided, single submitter. Criteria: Invitae Variant Classification Sherloc (09022015). Collection method: clinical testing. Allele origin: germline.

Mayo Clinic Laboratories, Mayo Clinic
Classification: Likely benign. Last evaluated: 2025-07-23. Review status: criteria provided, single submitter. Criteria: ACMG Guidelines, 2015. Collection method: clinical testing. Allele origin: germline. Observed: 9 variant alleles.
Comment: BS1, BP4, BP7

Blueprint Genetics
Classification: Likely benign. Last evaluated: 2024-11-23. Review status: criteria provided, single submitter. Criteria: ACMG Guidelines, 2015. Collection method: clinical testing. Allele origin: germline.

Women's Health and Genetics/Laboratory Corporation of America, LabCorp
Classification: Likely benign. Last evaluated: 2019-06-06. Review status: criteria provided, single submitter. Criteria: LabCorp Variant Classification Summary - May 2015. Collection method: clinical testing. Allele origin: germline.
Comment: Variant summary: PEX1 c.2442C>T alters a non-conserved nucleotide resulting in a synonymous change. 4/5 computational tools predict no significant impact on normal splicing. However, these predictions have yet to be confirmed by functional studies. The variant allele was found at a frequency of 0.0024 in 251264 control chromosomes, predominantly at a frequency of 0.0033 within the Non-Finnish European subpopulation in the gnomAD database. This frequency is comparable to the estimated maximal expected allele frequency for a pathogenic variant in PEX1 causing Zellweger Syndrome (0.0039), suggesting this is likely a benign polymorphism. To our knowledge, no occurrence of c.2442C>T in individuals affected with Zellweger Syndrome and no experimental evidence demonstrating its impact on protein function have been reported. Two ClinVar submitters (evaluation after 2014) cite the variant as benign (1x) and once as uncertain significance. An additional submitter (evaluation in 2013) cites the variant as benign. Based on the evidence outlined above, the variant was classified as likely benign.

Illumina Laboratory Services, Illumina
Classification: Uncertain significance for Peroxisome biogenesis disorder 1A (Zellweger). Last evaluated: 2018-01-13. Review status: criteria provided, single submitter. Criteria: ICSL Variant Classification Criteria 13 December 2019. Collection method: clinical testing. Allele origin: germline.

Eurofins Ntd Llc (ga)
Classification: Benign. Last evaluated: 2013-03-12. Review status: criteria provided, single submitter. Criteria: EGL Classification Definitions 2015. Collection method: clinical testing. Allele origin: germline. Observed: 1 variant allele, 1 heterozygote.

Natera, Inc.
Classification: Likely benign for Zellweger syndrome. Last evaluated: 2017-05-10. Review status: no assertion criteria provided. Collection method: clinical testing. Allele origin: germline. Not counted in ClinVar's aggregate classification.

Clinical Genetics DNA and cytogenetics Diagnostics Lab, Erasmus MC, Erasmus Medical Center
Classification: Likely benign. Review status: no assertion criteria provided. Collection method: clinical testing. Allele origin: germline. Affected: yes. Study: VKGL Data-share Consensus. Not counted in ClinVar's aggregate classification.

Clinical Genetics, Academic Medical Center
Classification: Likely benign. Review status: no assertion criteria provided. Collection method: clinical testing. Allele origin: germline. Affected: yes. Study: VKGL Data-share Consensus. Not counted in ClinVar's aggregate classification.